The following is an entry in ClinVar:

NM_000080.4(CHRNE):c.523G>T (p.Glu175Ter)

Genes: CHRNE (cholinergic receptor nicotinic epsilon subunit; minus strand), C17orf107 (chromosome 17 open reading frame 107; plus strand). Cytogenetic location: 17p13.2.
Variant type: single nucleotide variant.
Coding change: c.523G>T on transcript NM_000080.4 (MANE Select); coding-DNA position 523, G replaced by T.
Protein change: p.Glu175Ter; replaces glutamic acid 175 with a stop codon.
Molecular consequence: nonsense. On other transcripts: 3 prime UTR variant (1).
Genome position (GRCh38, 1-based): chr17:4,901,603, C>A on the plus strand (G>T on the coding strand, the complement: CHRNE is on the minus strand). VCF-style: chr17-4901603-C-A. GRCh37 (hg19) VCF-style: chr17-4804898-C-A.
Other names: c.*1070C>A (NM_001145536.2); short protein forms E175*.
Identifiers: ClinVar variation 4291873 (VCV004291873.1).

ClinVar aggregate classification (germline): Pathogenic (1 of 4 stars; one submission).

Conditions:
Congenital myasthenic syndrome 4C (CMS4C). Also called: Myasthenic syndrome, congenital, associated with acetylcholine receptor deficiency. Identifiers: Orphanet 590, MedGen C1837091, MONDO:0012157, OMIM 608931.

Submission:

3billion
Classification: Pathogenic for Congenital myasthenic syndrome 4C. Last evaluated: 2024-08-07. Review status: criteria provided, single submitter. Criteria: ACMG Guidelines, 2015. Collection method: clinical testing. Allele origin: germline. Affected: yes.
Comment: The variant is not observed in the gnomAD v4.0.0 dataset. Predicted Consequence/Location: Stop-gained (nonsense): predicted to result in a loss or disruption of normal protein function through nonsense-mediated decay (NMD) or protein truncation. Multiple pathogenic variants are reported downstream of the variant. Therefore, this variant is classified as Pathogenic according to the recommendation of ACMG/AMP guideline.